The following is an entry in ClinVar:

NM_001004334.4(GPR179):c.6751T>C (p.Ser2251Pro)

Gene: GPR179 (G protein-coupled receptor 179; minus strand). Cytogenetic location: 17q12.
Variant type: single nucleotide variant.
Coding change: c.6751T>C on transcript NM_001004334.4 (MANE Select); coding-DNA position 6751, T replaced by C.
Protein change: p.Ser2251Pro; replaces serine 2251 with proline.
Molecular consequence: missense variant.
Genome position (GRCh38, 1-based): chr17:38,326,818, A>G on the plus strand (T>C on the coding strand, the complement: GPR179 is on the minus strand). VCF-style: chr17-38326818-A-G. GRCh37 (hg19) VCF-style: chr17-36482701-A-G.
Other names: short protein forms S2251P.
Identifiers: ClinVar variation 2112247 (VCV002112247.1), dbSNP rs2037290800, ClinGen allele CA398868488.

ClinVar aggregate classification (germline): Uncertain significance (1 of 4 stars; one submission).

gnomAD v4.1: 1 of 1,614,196 alleles (0.000062%); highest among the groups gnomAD compares: Non-Finnish European, 0.000085%; no homozygotes.

Submission:

Labcorp Genetics (formerly Invitae), Labcorp
Classification: Uncertain significance. Last evaluated: 2022-03-14. Review status: criteria provided, single submitter. Criteria: Invitae Variant Classification Sherloc (09022015). Collection method: clinical testing. Allele origin: germline.
Comment: This sequence change replaces serine, which is neutral and polar, with proline, which is neutral and non-polar, at codon 2251 of the GPR179 protein (p.Ser2251Pro). This variant is not present in population databases (gnomAD no frequency). This variant has not been reported in the literature in individuals affected with GPR179-related conditions. Algorithms developed to predict the effect of missense changes on protein structure and function output the following: SIFT: "Tolerated"; PolyPhen-2: "Benign"; Align-GVGD: "Class C0". The proline amino acid residue is found in multiple mammalian species, which suggests that this missense change does not adversely affect protein function. In summary, the available evidence is currently insufficient to determine the role of this variant in disease. Therefore, it has been classified as a Variant of Uncertain Significance.